The following is an entry in ClinVar:

NM_170707.4(LMNA):c.1919A>G (p.Asn640Ser)

Gene: LMNA (lamin A/C; plus strand). Cytogenetic location: 1q22.
Variant type: single nucleotide variant.
Coding change: c.1919A>G on transcript NM_170707.4 (MANE Select); coding-DNA position 1919, A replaced by G.
Protein change: p.Asn640Ser; replaces asparagine 640 with serine.
Molecular consequence: missense variant. On other transcripts: intron variant (1).
Genome position (GRCh38, 1-based): chr1:156,138,708, A>G. VCF-style: chr1-156138708-A-G. GRCh37 (hg19) VCF-style: chr1-156108499-A-G.
Other names: c.1583A>G, p.Asn528Ser (NM_001257374.3); c.1829A>G, p.Asn610Ser (NM_170708.4); c.1818+101A>G (NM_001282626.2); short protein forms N610S, N640S, N528S.
Identifiers: ClinVar variation 288276 (VCV000288276.58), dbSNP rs752598065, ClinGen allele CA051671.

ClinVar aggregate classification (germline): Conflicting classifications of pathogenicity. Review status: criteria provided, conflicting classifications (1 of 4 stars). 7 submissions from 7 submitters: Uncertain significance (5); Likely benign (1). 1 of the submissions does not count toward it. Last evaluated 2024-10-28.

Conditions:
LMNA-related disorder. Also called: LMNA-related condition; LMNA-related disease; LMNA-related disorders. Identifiers: MedGen CN380145.
Charcot-Marie-Tooth disease type 2. Also called: Charcot-Marie-Tooth type 2. Identifiers: Orphanet 64746, MedGen C0270914, MONDO:0018993.
Familial partial lipodystrophy, Dunnigan type. Also called: Partial lipodystrophy, Dunnigan; LIPODYSTROPHY, FAMILIAL, OF LIMBS AND LOWER TRUNK; LIPODYSTROPHY, REVERSE PARTIAL. Identifiers: Orphanet 2348, MedGen C1720860, MONDO:0007906, OMIM 151660.
Primary dilated cardiomyopathy (DCM). Also called: Dilated Cardiomyopathy. Identifiers: Orphanet 217604, MedGen C0007193, MeSH D002311, MONDO:0005021, HP:0001644. Inheritance: Various modes of inheritance.

Allele frequency attached by ClinVar (database versions not stated): gnomAD exomes below 0.00001 and 0.00001; gnomAD 0.00001 and 0.00002; ExAC 0.00002.
gnomAD v4.1: 6 of 1,613,198 alleles (0.00037%); highest among the groups gnomAD compares: African/African-American, 0.0027%; no homozygotes.

Submissions (7):

Labcorp Genetics (formerly Invitae), Labcorp
Classification: Likely benign for Charcot-Marie-Tooth disease type 2. Last evaluated: 2024-10-28. Review status: criteria provided, single submitter. Criteria: Invitae Variant Classification Sherloc (09022015). Collection method: clinical testing. Allele origin: germline.

All of Us Research Program, National Institutes of Health
Classification: Uncertain significance for Primary dilated cardiomyopathy. Last evaluated: 2023-10-27. Review status: criteria provided, single submitter. Criteria: ACMG Guidelines, 2015. Collection method: clinical testing. Allele origin: germline. Inheritance: Autosomal dominant inheritance. Observed: 2 variant alleles, 2 heterozygotes.
Comment: This missense variant replaces asparagine with serine at codon 640 of the LMNA protein. Computational prediction suggests that this variant may not impact protein structure and function (internally defined REVEL score threshold <= 0.5, PMID: 27666373). To our knowledge, functional studies have not been reported for this variant. This variant has not been reported in individuals affected with LMNA-related disorders in the literature. This variant has been identified in 2/249084 chromosomes in the general population by the Genome Aggregation Database (gnomAD). The available evidence is insufficient to determine the role of this variant in disease conclusively. Therefore, this variant is classified as a Variant of Uncertain Significance.

This study involves interpretation of variants in research participants for the purpose of population health screening. Participant phenotype was not available at the time of variant classification. Additional details can be found in publication PMID: 35346344, PMCID: PMC8962531

New York Genome Center
Classification: Uncertain significance for Familial partial lipodystrophy, Dunnigan type. Last evaluated: 2022-10-03. Review status: criteria provided, single submitter. Criteria: NYGC Assertion Criteria 2020. Collection method: clinical testing. Allele origin: germline. Observed: 1 heterozygote.
Comment: The c.1919A>G, p.(Asn640Ser) missense variant identified in the LMNA gene has not been reported in affected individuals in the literature. The variant has been reported in the ClinVar database as a Variant of Uncertain Significance (Variation ID: 288276). The c.1919A>G variant is observed in 5 alleles (~0.0008% allele frequency with 0 homozygotes) in population databases (gnomAD v2.1.1 and v3.1.2, TOPMed Freeze 8), suggesting it is not a common benign variant in the populations represented in those databases. The c.1919A>G variant is located in exon 11 of this 12-exon gene, and predicted to replace a weakly conserved asparagine amino acid with serine at position 640. In silico predictions are inconclusive of deleterious effect (REVEL score = 0.333); however, there are no functional studies to support or refute these predictions. Based on available evidence the c.1919A>G, p.(Asn640Ser) missense variant identified in the LMNA gene is classified as a Variant of Uncertain Significance.

GeneDx
Classification: Uncertain significance. Last evaluated: 2020-02-18. Review status: criteria provided, single submitter. Criteria: GeneDx Variant Classification Process June 2021. Collection method: clinical testing. Allele origin: germline. Affected: yes.
Comment: Not observed at a significant frequency in large population cohorts (Lek et al., 2016); In silico analysis supports that this missense variant does not alter protein structure/function; Has not been previously published as pathogenic or benign to our knowledge

CeGaT Center for Human Genetics Tuebingen
Classification: Uncertain significance. Last evaluated: 2018-02-01. Review status: criteria provided, single submitter. Criteria: CeGaT Center For Human Genetics Tuebingen Variant Classification Criteria Version 2. Collection method: clinical testing. Allele origin: germline. Affected: yes. Observed: 1 variant allele.

Eurofins Ntd Llc (ga)
Classification: Uncertain significance. Last evaluated: 2016-06-07. Review status: criteria provided, single submitter. Criteria: EGL Classification Definitions 2015. Collection method: clinical testing. Allele origin: germline. Observed: 1 variant allele, 1 heterozygote.

PreventionGenetics, part of Exact Sciences
Classification: Uncertain significance for LMNA-related condition. Last evaluated: 2024-03-12. Review status: no assertion criteria provided. Collection method: clinical testing. Allele origin: germline. Not counted in ClinVar's aggregate classification.
Comment: The LMNA c.1919A>G variant is predicted to result in the amino acid substitution p.Asn640Ser. To our knowledge, this variant has not been reported in the literature. This variant is reported in 0.0063% of alleles in individuals of African descent in gnomAD. At this time, the clinical significance of this variant is uncertain due to the absence of conclusive functional and genetic evidence.